The following is an entry in ClinVar:

NM_002485.5(NBN):c.2171G>C (p.Arg724Thr)

Gene: NBN (nibrin; minus strand). Cytogenetic location: 8q21.3.
Variant type: single nucleotide variant.
Coding change: c.2171G>C on transcript NM_002485.5 (MANE Select); coding-DNA position 2171, G replaced by C.
Protein change: p.Arg724Thr; replaces arginine 724 with threonine.
Molecular consequence: missense variant.
Genome position (GRCh38, 1-based): chr8:89,943,266, C>G on the plus strand (G>C on the coding strand, the complement: NBN is on the minus strand). VCF-style: chr8-89943266-C-G. GRCh37 (hg19) VCF-style: chr8-90955494-C-G.
Other names: c.1925G>C, p.Arg642Thr (NM_001024688.3, NM_001440379.1, NM_001440380.1); short protein forms R642T, R724T.
Identifiers: ClinVar variation 5025382 (VCV005025382.1).

ClinVar aggregate classification (germline): Uncertain significance (1 of 4 stars; one submission).

Conditions:
Hereditary cancer-predisposing syndrome. Also called: Neoplastic Syndromes, Hereditary; Tumor predisposition; Hereditary neoplastic syndrome; Hereditary Cancer Syndrome. Identifiers: Orphanet 140162, MedGen C0027672, MeSH D009386, MONDO:0015356.

Submission:

Ambry Genetics
Classification: Uncertain significance for Hereditary cancer-predisposing syndrome. Last evaluated: 2026-07-06. Review status: criteria provided, single submitter. Criteria: Ambry Variant Classification Scheme 2023. Collection method: clinical testing. Allele origin: germline.
Comment: The p.R724T variant (also known as c.2171G>C), located in coding exon 14 of the NBN gene, results from a G to C substitution at nucleotide position 2171. The arginine at codon 724 is replaced by threonine, an amino acid with similar properties. This amino acid position is conserved. In addition, this alteration is predicted to be tolerated by in silico analysis. Based on the available evidence, the clinical significance of this variant remains unclear.